The following is an entry in ClinVar:

NM_002691.4(POLD1):c.887T>G (p.Val296Gly)

Gene: POLD1 (DNA polymerase delta 1, catalytic subunit; plus strand). Cytogenetic location: 19q13.33.
Variant type: single nucleotide variant.
Coding change: c.887T>G on transcript NM_002691.4 (MANE Select); coding-DNA position 887, T replaced by G.
Protein change: p.Val296Gly; replaces valine 296 with glycine.
Molecular consequence: missense variant. On other transcripts: non-coding transcript variant (1).
Genome position (GRCh38, 1-based): chr19:50,402,658, T>G. VCF-style: chr19-50402658-T-G. GRCh37 (hg19) VCF-style: chr19-50905915-T-G.
Other names: c.887T>G, p.Val296Gly (NM_001256849.1, NM_001308632.1); short protein forms V296G.
Identifiers: ClinVar variation 469391 (VCV000469391.13), dbSNP rs774155133, ClinGen allele CA9595943.
Genomic context (GRCh38, chr19:50,402,658, plus strand): 5'-ACCCATGCCCACAGGCTACGCAGTGCCAGCTGGAGGCGGACGTGCTGTGGTCTGACGTGG[T>G]CAGTCACCCACCGGAAGGGCCATGGCAGCGCATTGCGCCCTTGCGCGTGCTCAGCTTCGA-3'
Protein context (NP_002682.2, residues 286-306): LEADVLWSDV[Val296Gly]SHPPEGPWQR

ClinVar aggregate classification (germline): Uncertain significance. Review status: criteria provided, multiple submitters, no conflicts (2 of 4 stars). 3 submissions from 3 submitters: Uncertain significance (3). Last evaluated 2025-09-08.

Conditions:
POLD1-related polyposis and colorectal cancer syndrome (CRCS10). Also called: Colorectal cancer 10; COLORECTAL CANCER, SUSCEPTIBILITY TO, ON CHROMOSOME 19q; Colorectal cancer, susceptibility to, 10. Identifiers: Orphanet 220460, MedGen C2675481, MONDO:0012953, OMIM 612591.
Hereditary cancer-predisposing syndrome. Also called: Neoplastic Syndromes, Hereditary; Hereditary neoplastic syndrome; Tumor predisposition; Hereditary Cancer Syndrome. Identifiers: Orphanet 140162, MedGen C0027672, MeSH D009386, MONDO:0015356.

Allele frequency attached by ClinVar (database versions not stated): gnomAD exomes below 0.00001 and 0.00001; gnomAD 0.00001; TOPMed 0.00001; ExAC 0.00002.

Submissions (3):

Labcorp Genetics (formerly Invitae), Labcorp
Classification: Uncertain significance for POLD1-related polyposis and colorectal cancer syndrome. Last evaluated: 2025-09-08. Review status: criteria provided, single submitter. Criteria: Invitae Variant Classification Sherloc (09022015). Collection method: clinical testing. Allele origin: germline.
Comment: This sequence change replaces valine, which is neutral and non-polar, with glycine, which is neutral and non-polar, at codon 296 of the POLD1 protein (p.Val296Gly). This variant is present in population databases (rs774155133, gnomAD 0.002%). This variant has not been reported in the literature in individuals affected with POLD1-related conditions. ClinVar contains an entry for this variant (Variation ID: 469391). Invitae Evidence Modeling of protein sequence and biophysical properties (such as structural, functional, and spatial information, amino acid conservation, physicochemical variation, residue mobility, and thermodynamic stability) indicates that this missense variant is not expected to disrupt POLD1 protein function with a negative predictive value of 80%. In summary, the available evidence is currently insufficient to determine the role of this variant in disease. Therefore, it has been classified as a Variant of Uncertain Significance.

GeneDx
Classification: Uncertain significance. Last evaluated: 2025-02-28. Review status: criteria provided, single submitter. Criteria: GeneDx Variant Classification Process June 2021. Collection method: clinical testing. Allele origin: germline. Affected: yes.
Comment: Not observed at significant frequency in large population cohorts (gnomAD); In silico analysis supports that this missense variant has a deleterious effect on protein structure/function; Has not been previously published as pathogenic or benign to our knowledge

Ambry Genetics
Classification: Uncertain significance for Hereditary cancer-predisposing syndrome. Last evaluated: 2024-03-01. Review status: criteria provided, single submitter. Criteria: Ambry Variant Classification Scheme 2023. Collection method: clinical testing. Allele origin: germline.
Comment: The p.V296G variant (also known as c.887T>G), located in coding exon 7 of the POLD1 gene, results from a T to G substitution at nucleotide position 887. The valine at codon 296 is replaced by glycine, an amino acid with dissimilar properties. This amino acid position is conserved. In addition, this alteration is predicted to be tolerated by in silico analysis. Since supporting evidence is limited at this time, the clinical significance of this alteration remains unclear.